The following is an entry in ClinVar:

NM_000538.4(RFXAP):c.625A>G (p.Ile209Val)

Gene: RFXAP (regulatory factor X associated protein; plus strand). Cytogenetic location: 13q13.3.
Variant type: single nucleotide variant.
Coding change: c.625A>G on transcript NM_000538.4 (MANE Select); coding-DNA position 625, A replaced by G.
Protein change: p.Ile209Val; replaces isoleucine 209 with valine.
Molecular consequence: missense variant.
Genome position (GRCh38, 1-based): chr13:36,825,452, A>G. VCF-style: chr13-36825452-A-G. GRCh37 (hg19) VCF-style: chr13-37399589-A-G.
Other names: c.625A>G (NM_000538.3); short protein forms I209V.
Identifiers: ClinVar variation 1023076 (VCV001023076.8), dbSNP rs374481240, ClinGen allele CA6950250.

ClinVar aggregate classification (germline): Uncertain significance. Review status: criteria provided, multiple submitters, no conflicts (2 of 4 stars). 2 submissions from 2 submitters: Uncertain significance (2). Last evaluated 2023-12-07.

Conditions:
MHC class II deficiency. Also called: BLS, TYPE II; Bare lymphocyte syndrome 2. Identifiers: Orphanet 572, MedGen C5447452, MONDO:0008855.

Allele frequency attached by ClinVar (database versions not stated): gnomAD exomes 0.00002 and 0.00007; ExAC 0.00004; gnomAD 0.00004; TOPMed 0.00004; ESP Exome Variant Server 0.00015.

Submissions (2):

Labcorp Genetics (formerly Invitae), Labcorp
Classification: Uncertain significance for MHC class II deficiency. Last evaluated: 2023-12-07. Review status: criteria provided, single submitter. Criteria: Invitae Variant Classification Sherloc (09022015). Collection method: clinical testing. Allele origin: germline.
Comment: This sequence change replaces isoleucine, which is neutral and non-polar, with valine, which is neutral and non-polar, at codon 209 of the RFXAP protein (p.Ile209Val). This variant is present in population databases (rs374481240, gnomAD 0.005%). This variant has not been reported in the literature in individuals affected with RFXAP-related conditions. ClinVar contains an entry for this variant (Variation ID: 1023076). Advanced modeling of protein sequence and biophysical properties (such as structural, functional, and spatial information, amino acid conservation, physicochemical variation, residue mobility, and thermodynamic stability) performed at Invitae indicates that this missense variant is not expected to disrupt RFXAP protein function with a negative predictive value of 80%. In summary, the available evidence is currently insufficient to determine the role of this variant in disease. Therefore, it has been classified as a Variant of Uncertain Significance.

Ambry Genetics
Classification: Uncertain significance. Last evaluated: 2023-04-11. Review status: criteria provided, single submitter. Criteria: Ambry Variant Classification Scheme 2023. Collection method: clinical testing. Allele origin: germline.